The following is an entry in ClinVar:

NM_177438.3(DICER1):c.3530G>T (p.Gly1177Val)

Gene: DICER1 (dicer 1, ribonuclease III; minus strand). Cytogenetic location: 14q32.13.
Variant type: single nucleotide variant.
Coding change: c.3530G>T on transcript NM_177438.3 (MANE Select); coding-DNA position 3530, G replaced by T.
Protein change: p.Gly1177Val; replaces glycine 1177 with valine.
Molecular consequence: missense variant.
Genome position (GRCh38, 1-based): chr14:95,103,866, C>A on the plus strand (G>T on the coding strand, the complement: DICER1 is on the minus strand). VCF-style: chr14-95103866-C-A. GRCh37 (hg19) VCF-style: chr14-95570203-C-A.
Other names: c.3530G>T, p.Gly1177Val (NM_001195573.1, NM_001271282.3, NM_001291628.2 and 1 more transcripts); short protein forms G1177V.
Identifiers: ClinVar variation 483468 (VCV000483468.16), dbSNP rs1160985143, ClinGen allele CA390875049.

ClinVar aggregate classification (germline): Uncertain significance. Review status: criteria provided, multiple submitters, no conflicts (2 of 4 stars). 2 submissions from 2 submitters: Uncertain significance (2). Last evaluated 2024-12-31.

Conditions:
Hereditary cancer-predisposing syndrome. Also called: Hereditary neoplastic syndrome; Neoplastic Syndromes, Hereditary; Tumor predisposition; Hereditary Cancer Syndrome. Identifiers: Orphanet 140162, MedGen C0027672, MeSH D009386, MONDO:0015356.
DICER1-related tumor predisposition. Also called: DICER1-related pleuropulmonary blastoma cancer predisposition syndrome; DICER1 syndrome. Identifiers: Orphanet 284343, MedGen C3839822, MONDO:0100216.

Allele frequency attached by ClinVar (database versions not stated): gnomAD 0.00001; TOPMed 0.00001.
gnomAD v4.1: 3 of 1,614,024 alleles (0.00019%); highest among the groups gnomAD compares: Admixed American, 0.0017%; no homozygotes.

Submissions (2):

Labcorp Genetics (formerly Invitae), Labcorp
Classification: Uncertain significance for DICER1-related tumor predisposition. Last evaluated: 2024-12-31. Review status: criteria provided, single submitter. Criteria: Invitae Variant Classification Sherloc (09022015). Collection method: clinical testing. Allele origin: germline.
Comment: This sequence change replaces glycine, which is neutral and non-polar, with valine, which is neutral and non-polar, at codon 1177 of the DICER1 protein (p.Gly1177Val). This variant is not present in population databases (gnomAD no frequency). This variant has not been reported in the literature in individuals affected with DICER1-related conditions. ClinVar contains an entry for this variant (Variation ID: 483468). Invitae Evidence Modeling of protein sequence and biophysical properties (such as structural, functional, and spatial information, amino acid conservation, physicochemical variation, residue mobility, and thermodynamic stability) indicates that this missense variant is not expected to disrupt DICER1 protein function with a negative predictive value of 95%. In summary, the available evidence is currently insufficient to determine the role of this variant in disease. Therefore, it has been classified as a Variant of Uncertain Significance.

Ambry Genetics
Classification: Uncertain significance for Hereditary cancer-predisposing syndrome. Last evaluated: 2024-09-09. Review status: criteria provided, single submitter. Criteria: Ambry Variant Classification Scheme 2023. Collection method: clinical testing. Allele origin: germline.
Comment: The p.G1177V variant (also known as c.3530G>T), located in coding exon 20 of the DICER1 gene, results from a G to T substitution at nucleotide position 3530. The glycine at codon 1177 is replaced by valine, an amino acid with dissimilar properties. This amino acid position is highly conserved in available vertebrate species. In addition, this alteration is predicted to be deleterious by in silico analysis. Since supporting evidence is limited at this time, the clinical significance of this alteration remains unclear.